The following is an entry in ClinVar:

NM_001184.4(ATR):c.2831del (p.Ser944fs)

Gene: ATR (ATR checkpoint kinase; minus strand). Cytogenetic location: 3q23.
Variant type: Deletion.
Coding change: c.2831del on transcript NM_001184.4 (MANE Select); coding-DNA position 2831, one base deleted (G; older notation c.2831delG).
Protein change: p.Ser944fs; shifts the reading frame from serine 944.
Molecular consequence: frameshift variant.
Genome position (GRCh38, 1-based): chr3:142,550,277, C deleted on the plus strand (G on the coding strand, the reverse complement: ATR is on the minus strand). VCF-style (leftmost placement, unchanged base first): chr3-142550276-AC-A. GRCh37 (hg19) VCF-style: chr3-142269118-AC-A.
Other names: c.2639del, p.Ser880fs (NM_001354579.2); short protein forms S944fs, S880fs.
Identifiers: ClinVar variation 2156857 (VCV002156857.26), dbSNP rs2473367671, ClinGen allele CA2580068896.

ClinVar aggregate classification (germline): Pathogenic/Likely pathogenic. Review status: criteria provided, multiple submitters, no conflicts (2 of 4 stars). 2 submissions from 2 submitters: Pathogenic (1); Likely pathogenic (1). Last evaluated 2024-01-01.

Submissions (2):

CeGaT Center for Human Genetics Tuebingen
Classification: Likely pathogenic. Last evaluated: 2024-01-01. Review status: criteria provided, single submitter. Criteria: CeGaT Center For Human Genetics Tuebingen Variant Classification Criteria Version 2. Collection method: clinical testing. Allele origin: germline. Affected: yes. Observed: 1 variant allele.
Comment: ATR: PVS1:Strong, PM2

Labcorp Genetics (formerly Invitae), Labcorp
Classification: Pathogenic. Last evaluated: 2022-07-05. Review status: criteria provided, single submitter. Criteria: Invitae Variant Classification Sherloc (09022015). Collection method: clinical testing. Allele origin: germline.
Comment: For these reasons, this variant has been classified as Pathogenic. This variant has not been reported in the literature in individuals affected with ATR-related conditions. This variant is not present in population databases (gnomAD no frequency). This sequence change creates a premature translational stop signal (p.Ser944Ilefs*3) in the ATR gene. It is expected to result in an absent or disrupted protein product. Loss-of-function variants in ATR are known to be pathogenic (PMID: 21228398, 23144622).

Literature cited by the submitters: PubMed 21228398 (cited by Labcorp Genetics (formerly Invitae), Labcorp); PubMed 23144622 (cited by Labcorp Genetics (formerly Invitae), Labcorp).